The following is an entry in ClinVar:

ClinVar aggregate classification (germline): Uncertain significance (1 of 4 stars; one submission).

Conditions:
Townes syndrome (TBS). Also called: Townes-Brocks syndrome. Identifiers: Orphanet 857, MedGen C0265246, MeSH C536974, MONDO:0007142.

Allele frequency attached by ClinVar (database versions not stated): gnomAD exomes below 0.00001; ExAC 0.00001.
gnomAD v4.1: 1 of 1,614,208 alleles (0.000062%); highest among the groups gnomAD compares: East Asian, 0.0022%; no homozygotes.

Submission:

Labcorp Genetics (formerly Invitae), Labcorp
Classification: Uncertain significance for Townes syndrome. Last evaluated: 2023-02-09. Review status: criteria provided, single submitter. Criteria: Invitae Variant Classification Sherloc (09022015). Collection method: clinical testing. Allele origin: germline.
Comment: This variant is present in population databases (rs770519898, gnomAD 0.003%). This sequence change replaces methionine, which is neutral and non-polar, with valine, which is neutral and non-polar, at codon 806 of the SALL1 protein (p.Met806Val). This variant has not been reported in the literature in individuals affected with SALL1-related conditions. In summary, the available evidence is currently insufficient to determine the role of this variant in disease. Therefore, it has been classified as a Variant of Uncertain Significance. Advanced modeling of protein sequence and biophysical properties (such as structural, functional, and spatial information, amino acid conservation, physicochemical variation, residue mobility, and thermodynamic stability) performed at Invitae indicates that this missense variant is not expected to disrupt SALL1 protein function.

NM_002968.3(SALL1):c.2416A>G (p.Met806Val)

Gene: SALL1 (spalt like transcription factor 1; minus strand). Cytogenetic location: 16q12.1.
Variant type: single nucleotide variant.
Coding change: c.2416A>G on transcript NM_002968.3 (MANE Select); coding-DNA position 2416, A replaced by G.
Protein change: p.Met806Val; replaces methionine 806 with valine.
Molecular consequence: missense variant.
Genome position (GRCh38, 1-based): chr16:51,139,806, T>C on the plus strand (A>G on the coding strand, the complement: SALL1 is on the minus strand). VCF-style: chr16-51139806-T-C. GRCh37 (hg19) VCF-style: chr16-51173717-T-C.
Other names: c.2125A>G, p.Met709Val (NM_001127892.2); short protein forms M709V, M806V.
Identifiers: ClinVar variation 2779747 (VCV002779747.3), dbSNP rs770519898, ClinGen allele CA8053108.